The following is an entry in ClinVar:

ClinVar aggregate classification (germline): Uncertain significance (1 of 4 stars; one submission).

Conditions:
Cardiovascular phenotype. Identifiers: MedGen CN230736.

Submission:

Molecular Diagnostic Laboratory for Inherited Cardiovascular Disease, Montreal Heart Institute
Classification: Uncertain significance for Cardiovascular phenotype. Last evaluated: 2025-04-09. Review status: criteria provided, single submitter. Criteria: ACMG Guidelines, 2015. Collection method: clinical testing. Allele origin: germline. Affected: yes.
Comment: PM2, PP3, BP1

NM_004006.3(DMD):c.199G>C (p.Gly67Arg)

Gene: DMD (dystrophin; minus strand). Cytogenetic location: Xp21.1.
Variant type: single nucleotide variant.
Coding change: c.199G>C on transcript NM_004006.3 (MANE Select); coding-DNA position 199, G replaced by C.
Protein change: p.Gly67Arg; replaces glycine 67 with arginine.
Molecular consequence: missense variant. On other transcripts: 5 prime UTR variant (1).
Genome position (GRCh38, 1-based): chrX:32,844,848, C>G on the plus strand (G>C on the coding strand, the complement: DMD is on the minus strand). VCF-style: chrX-32844848-C-G. GRCh37 (hg19) VCF-style: chrX-32862965-C-G.
Other names: c.175G>C, p.Gly59Arg (NM_000109.4); c.187G>C, p.Gly63Arg (NM_004009.3); c.-171G>C (NM_004010.3); short protein forms G59R, G63R, G67R.
Identifiers: ClinVar variation 3895203 (VCV003895203.1).
Genomic context (GRCh38, chrX:32,844,848, plus strand): 5'-TGTTCTGCAAAACCCGCAGTGCCTTGTTGACATTGTTCAGGGCATGAACTCTTGTGGATC[C>G]TTTTTCTTTTGGCTGAGAACAAAACAAAAGAGTGTTCACTGACCAGCAGAGAGACCGACA-3'
Protein context (NP_003997.2, residues 57-77): LTGQKLPKEK[Gly67Arg]STRVHALNNV